The following is an entry in ClinVar:

NM_001128840.3(CACNA1D):c.2614A>G (p.Thr872Ala)

Gene: CACNA1D (calcium voltage-gated channel subunit alpha1 D; plus strand). Cytogenetic location: 3p21.1.
Variant type: single nucleotide variant.
Coding change: c.2614A>G on transcript NM_001128840.3 (MANE Select); coding-DNA position 2614, A replaced by G.
Protein change: p.Thr872Ala; replaces threonine 872 with alanine.
Molecular consequence: missense variant.
Genome position (GRCh38, 1-based): chr3:53,732,955, A>G. VCF-style: chr3-53732955-A-G. GRCh37 (hg19) VCF-style: chr3-53766982-A-G.
Other names: c.2674A>G, p.Thr892Ala (NM_000720.4); c.2614A>G, p.Thr872Ala (NM_001128839.3); c.2674A>G (NM_000720.2); short protein forms T872A, T892A.
Identifiers: ClinVar variation 2130512 (VCV002130512.5), dbSNP rs2473798354, ClinGen allele CA353241709.

ClinVar aggregate classification (germline): Uncertain significance. Review status: criteria provided, multiple submitters, no conflicts (2 of 4 stars). 2 submissions from 2 submitters: Uncertain significance (2). Last evaluated 2023-07-26.

Submissions (2):

GeneDx
Classification: Uncertain significance. Last evaluated: 2023-07-26. Review status: criteria provided, single submitter. Criteria: GeneDx Variant Classification Process June 2021. Collection method: clinical testing. Allele origin: germline. Affected: yes.
Comment: Not observed at significant frequency in large population cohorts (gnomAD); In silico analysis supports that this missense variant has a deleterious effect on protein structure/function; Has not been previously published as pathogenic or benign to our knowledge

Labcorp Genetics (formerly Invitae), Labcorp
Classification: Uncertain significance. Last evaluated: 2022-04-27. Review status: criteria provided, single submitter. Criteria: Invitae Variant Classification Sherloc (09022015). Collection method: clinical testing. Allele origin: germline.
Comment: In summary, the available evidence is currently insufficient to determine the role of this variant in disease. Therefore, it has been classified as a Variant of Uncertain Significance. Algorithms developed to predict the effect of missense changes on protein structure and function are either unavailable or do not agree on the potential impact of this missense change (SIFT: "Deleterious"; PolyPhen-2: "Possibly Damaging"; Align-GVGD: "Class C0"). This variant has not been reported in the literature in individuals affected with CACNA1D-related conditions. This variant is not present in population databases (gnomAD no frequency). This sequence change replaces threonine, which is neutral and polar, with alanine, which is neutral and non-polar, at codon 892 of the CACNA1D protein (p.Thr892Ala).